The following is an entry in ClinVar:

NM_198252.3(GSN):c.1651G>A (p.Ala551Thr)

Gene: GSN (gelsolin; plus strand). Cytogenetic location: 9q33.2.
Variant type: single nucleotide variant.
Coding change: c.1651G>A on transcript NM_198252.3 (MANE Select); coding-DNA position 1651, G replaced by A.
Protein change: p.Ala551Thr; replaces alanine 551 with threonine.
Molecular consequence: missense variant.
Genome position (GRCh38, 1-based): chr9:121,327,371, G>A. VCF-style: chr9-121327371-G-A. GRCh37 (hg19) VCF-style: chr9-124089649-G-A.
Other names: c.1804G>A, p.Ala602Thr (NM_000177.5); c.1651G>A, p.Ala551Thr (NM_001127662.2, NM_001127664.2, NM_001127665.2 and 10 more transcripts); c.1759G>A, p.Ala587Thr (NM_001127663.2); c.1684G>A, p.Ala562Thr (NM_001127666.2, NM_001127667.2, NM_001353063.2 and 13 more transcripts); c.1702G>A, p.Ala568Thr (NM_001258029.2); c.1675G>A, p.Ala559Thr (NM_001258030.2); c.1723G>A, p.Ala575Thr (NM_001353076.2); c.997G>A, p.Ala333Thr (NM_001353078.2); short protein forms A551T, A575T, A562T, A568T, A602T, A587T, A333T, A559T.
Identifiers: ClinVar variation 913571 (VCV000913571.10), dbSNP rs777955781, ClinGen allele CA5221372.

ClinVar aggregate classification (germline): Conflicting classifications of pathogenicity. Review status: criteria provided, conflicting classifications (1 of 4 stars). 3 submissions from 3 submitters: Uncertain significance (2); Likely benign (1). Last evaluated 2025-11-16.

Conditions:
Finnish type amyloidosis. Also called: Lattice corneal dystrophy associated with familial systemic amyloidosis; Meretoja's syndrome; Lattice dystrophy of the cornea with hereditary generalized amyloidosis; AMYLOID CRANIAL NEUROPATHY WITH LATTICE CORNEAL DYSTROPHY; AMYLOIDOSIS DUE TO MUTANT GELSOLIN; Amyloidosis, familial, Finnish type. Identifiers: Orphanet 85448, MedGen C1622345, MONDO:0007097, OMIM 105120.

Allele frequency attached by ClinVar (database versions not stated): TOPMed below 0.00001; gnomAD exomes 0.00001; ExAC 0.00002.
gnomAD v4.1: 18 of 1,613,678 alleles (0.0011%); highest among the groups gnomAD compares: East Asian, 0.0089%; no homozygotes.

Submissions (3):

Labcorp Genetics (formerly Invitae), Labcorp
Classification: Uncertain significance. Last evaluated: 2025-11-16. Review status: criteria provided, single submitter. Criteria: Invitae Variant Classification Sherloc (09022015). Collection method: clinical testing. Allele origin: germline.
Comment: This sequence change replaces alanine, which is neutral and non-polar, with threonine, which is neutral and polar, at codon 602 of the GSN protein (p.Ala602Thr). This variant is present in population databases (rs777955781, gnomAD 0.003%). This variant has not been reported in the literature in individuals affected with GSN-related conditions. ClinVar contains an entry for this variant (Variation ID: 913571). Invitae Evidence Modeling of protein sequence and biophysical properties (such as structural, functional, and spatial information, amino acid conservation, physicochemical variation, residue mobility, and thermodynamic stability) indicates that this missense variant is not expected to disrupt GSN protein function with a negative predictive value of 80%. In summary, the available evidence is currently insufficient to determine the role of this variant in disease. Therefore, it has been classified as a Variant of Uncertain Significance.

Fulgent Genetics
Classification: Uncertain significance for Finnish type amyloidosis. Last evaluated: 2024-01-25. Review status: criteria provided, single submitter. Criteria: ACMG Guidelines, 2015. Collection method: clinical testing. Allele origin: germline.

Illumina Laboratory Services, Illumina
Classification: Likely benign for Finnish type amyloidosis. Last evaluated: 2018-01-13. Review status: criteria provided, single submitter. Criteria: ICSL Variant Classification Criteria 13 December 2019. Collection method: clinical testing. Allele origin: germline.
Comment: This variant was observed in the ICSL laboratory as part of a predisposition screen in an ostensibly healthy population. It had not been previously curated by ICSL or reported in the Human Gene Mutation Database (HGMD: prior to June 1st, 2018), and was therefore a candidate for classification through an automated scoring system. Utilizing variant allele frequency, disease prevalence and penetrance estimates, and inheritance mode, an automated score was calculated to assess if this variant is too frequent to cause the disease. Based on the score and internal cut-off values, a variant classified as likely benign is not then subjected to further curation. The score for this variant resulted in a classification of likely benign for this disease.